The following is an entry in ClinVar:

NM_005245.4(FAT1):c.3848C>T (p.Pro1283Leu)

Gene: FAT1 (FAT atypical cadherin 1; minus strand). Cytogenetic location: 4q35.2.
Variant type: single nucleotide variant.
Coding change: c.3848C>T on transcript NM_005245.4 (MANE Select); coding-DNA position 3848, C replaced by T.
Protein change: p.Pro1283Leu; replaces proline 1283 with leucine.
Molecular consequence: missense variant.
Genome position (GRCh38, 1-based): chr4:186,636,709, G>A on the plus strand (C>T on the coding strand, the complement: FAT1 is on the minus strand). VCF-style: chr4-186636709-G-A. GRCh37 (hg19) VCF-style: chr4-187557863-G-A.
Other names: short protein forms P1283L.
Identifiers: ClinVar variation 1309811 (VCV001309811.6), dbSNP rs60068521, ClinGen allele CA3166887.

ClinVar aggregate classification (germline): Uncertain significance. Review status: criteria provided, multiple submitters, no conflicts (2 of 4 stars). 2 submissions from 2 submitters: Uncertain significance (2). Last evaluated 2026-08-25.

Allele frequency attached by ClinVar (database versions not stated): gnomAD exomes 0.00012 and 0.00004; ExAC 0.00014; 1000 Genomes Project 0.00120; 1000 Genomes Project 30x 0.00141; gnomAD 0.00039 and 0.00040; TOPMed 0.00055; ESP Exome Variant Server 0.00033.
gnomAD v4.1: 128 of 1,613,722 alleles (0.0079%); highest among the groups gnomAD compares: African/African-American, 0.15%; 1 homozygote.

Submissions (2):

GeneDx
Classification: Uncertain significance. Last evaluated: 2026-08-25. Review status: criteria provided, single submitter. Criteria: GeneDx Variant Classification Process June 2021. Collection method: clinical testing. Allele origin: germline.
Comment: In silico analysis supports that this missense variant has a deleterious effect on protein structure/function; Has not been previously published as pathogenic or benign to our knowledge

Labcorp Genetics (formerly Invitae), Labcorp
Classification: Uncertain significance. Last evaluated: 2025-06-12. Review status: criteria provided, single submitter. Criteria: Invitae Variant Classification Sherloc (09022015). Collection method: clinical testing. Allele origin: germline.
Comment: This sequence change replaces proline, which is neutral and non-polar, with leucine, which is neutral and non-polar, at codon 1283 of the FAT1 protein (p.Pro1283Leu). This variant is present in population databases (rs60068521, gnomAD 0.1%), including at least one homozygous and/or hemizygous individual. This variant has not been reported in the literature in individuals affected with FAT1-related conditions. ClinVar contains an entry for this variant (Variation ID: 1309811). An algorithm developed to predict the effect of missense changes on protein structure and function (PolyPhen-2) suggests that this variant is likely to be disruptive. In summary, the available evidence is currently insufficient to determine the role of this variant in disease. Therefore, it has been classified as a Variant of Uncertain Significance.